The following is an entry in ClinVar:

NM_015178.3(RHOBTB2):c.1994G>A (p.Arg665Gln)

Gene: RHOBTB2 (Rho related BTB domain containing 2; plus strand). Cytogenetic location: 8p21.3.
Variant type: single nucleotide variant.
Coding change: c.1994G>A on transcript NM_015178.3 (MANE Select); coding-DNA position 1994, G replaced by A.
Protein change: p.Arg665Gln; replaces arginine 665 with glutamine.
Molecular consequence: missense variant.
Genome position (GRCh38, 1-based): chr8:23,017,279, G>A. VCF-style: chr8-23017279-G-A. GRCh37 (hg19) VCF-style: chr8-22874792-G-A.
Other names: c.2060G>A, p.Arg687Gln (NM_001160036.2); c.2015G>A, p.Arg672Gln (NM_001160037.2); c.1994G>A, p.Arg665Gln (NM_001374791.1); short protein forms R665Q, R672Q, R687Q.
Identifiers: ClinVar variation 2098818 (VCV002098818.4), dbSNP rs1055437847, ClinGen allele CA173884928.

ClinVar aggregate classification (germline): Uncertain significance (1 of 4 stars; one submission).

Allele frequency attached by ClinVar (database versions not stated): gnomAD exomes below 0.00001; TOPMed below 0.00001; gnomAD 0.00001.
gnomAD v4.1: 5 of 1,614,004 alleles (0.00031%); highest among the groups gnomAD compares: East Asian, 0.0022%; no homozygotes.

Submission:

Labcorp Genetics (formerly Invitae), Labcorp
Classification: Uncertain significance. Last evaluated: 2022-11-01. Review status: criteria provided, single submitter. Criteria: Invitae Variant Classification Sherloc (09022015). Collection method: clinical testing. Allele origin: germline.
Comment: This sequence change replaces arginine, which is basic and polar, with glutamine, which is neutral and polar, at codon 687 of the RHOBTB2 protein (p.Arg687Gln). This variant is not present in population databases (gnomAD no frequency). This variant has not been reported in the literature in individuals affected with RHOBTB2-related conditions. Advanced modeling of protein sequence and biophysical properties (such as structural, functional, and spatial information, amino acid conservation, physicochemical variation, residue mobility, and thermodynamic stability) performed at Invitae indicates that this missense variant is not expected to disrupt RHOBTB2 protein function. In summary, the available evidence is currently insufficient to determine the role of this variant in disease. Therefore, it has been classified as a Variant of Uncertain Significance.